The following is an entry in ClinVar:

NM_001130053.5(EEF1D):c.1008G>T (p.Arg336=)

Gene: EEF1D (eukaryotic translation elongation factor 1 delta; minus strand). Cytogenetic location: 8q24.3.
Variant type: single nucleotide variant.
Coding change: c.1008G>T on transcript NM_001130053.5 (MANE Select); coding-DNA position 1008, G replaced by T.
Protein change: p.Arg336=; no amino-acid change (arginine 336 retained).
Molecular consequence: synonymous variant. On other transcripts: intron variant (8).
Genome position (GRCh38, 1-based): chr8:143,589,074, C>A on the plus strand (G>T on the coding strand, the complement: EEF1D is on the minus strand). VCF-style: chr8-143589074-C-A. GRCh37 (hg19) VCF-style: chr8-144671244-C-A.
Other names: c.1008G>T, p.Arg336= (NM_032378.7); c.-4-2225G>T (NM_001317743.4, NM_001289950.4, NM_001130055.4); c.-7-2222G>T (NM_001130056.5, NM_001195203.4, NM_001960.7 and 2 more transcripts).
Identifiers: ClinVar variation 3060921 (VCV003060921.2), dbSNP rs4874160, ClinGen allele CA4913709.

ClinVar aggregate classification (germline): Benign (0 of 4 stars; one submission).

Conditions:
EEF1D-related disorder. Also called: EEF1D-related condition.

Allele frequency attached by ClinVar (database versions not stated): 1000 Genomes Project 30x 0.64101; 1000 Genomes Project 0.64257; ESP Exome Variant Server 0.79131.
gnomAD v4.1: 1,307,804 of 1,608,322 alleles (81%); highest among the groups gnomAD compares: Non-Finnish European, 86%; 539,830 homozygotes.

Submission:

PreventionGenetics, part of Exact Sciences
Classification: Benign for EEF1D-related condition. Last evaluated: 2019-09-24. Review status: no assertion criteria provided. Collection method: clinical testing. Allele origin: germline.
Comment: This variant is classified as benign based on ACMG/AMP sequence variant interpretation guidelines (Richards et al. 2015 PMID: 25741868, with internal and published modifications).